The following is an entry in ClinVar:

NM_003590.5(CUL3):c.-191GCC[10]

Gene: CUL3 (cullin 3; minus strand). Cytogenetic location: 2q36.2.
Variant type: Microsatellite.
Coding change: c.-191GCC[10] on transcript NM_003590.5 (MANE Select); ten copies in a row of the 3-base unit GCC starting at c.-191; the reference has eight copies in a row; two copies, 6 bases duplicated.
Molecular consequence: 5 prime UTR variant.
Genome position (GRCh38, 1-based): chr2:224,585,177-224,585,182, GGCGGC duplicated on the plus strand (GCCGCC on the coding strand, the reverse complement: CUL3 is on the minus strand); duplicating any 6 consecutive bases within chr2:224,585,177-224,585,200 gives the same sequence; the position shown is the placement nearest the transcript's 3' end. VCF-style (leftmost placement, unchanged base first): chr2-224585176-G-GGGCGGC. GRCh37 (hg19) VCF-style: chr2-225449893-G-GGGCGGC.
Other names: c.-191GCC[10] (NM_001257197.2).
Identifiers: ClinVar variation 2651949 (VCV002651949.24), dbSNP rs552925358, ClinGen allele CA765404206.
Genomic context (GRCh38, chr2:224,585,176, plus strand): 5'-CGCGACCCCCGGGCAGGGCTGGGGAGCTGGCCGGCCCCTGGGCAGCCGCGGCGGCGGCGG[G>GGGCGGC]GGCGGCGGCGGCGGCGGCGGCGGCTCGGACTCTGGCGACTCCGATGCGGCTGGGGGGCTG-3'

ClinVar aggregate classification (germline): Benign (1 of 4 stars; one submission).

Submission:

CeGaT Center for Human Genetics Tuebingen
Classification: Benign. Last evaluated: 2022-09-01. Review status: criteria provided, single submitter. Criteria: CeGaT Center For Human Genetics Tuebingen Variant Classification Criteria Version 2. Collection method: clinical testing. Allele origin: germline. Affected: yes. Observed: 1 variant allele.
Comment: CUL3: BS1, BS2